The following is an entry in ClinVar:

ClinVar aggregate classification (germline): Pathogenic (1 of 4 stars; one submission).

Conditions:
Ellis-van Creveld syndrome (EVC). Also called: EVC-Related Ellis-van Creveld Syndrome; EVC2-Related Ellis-van Creveld Syndrome; MESOECTODERMAL DYSPLASIA; Chondroectodermal dysplasia. Identifiers: Orphanet 289, MedGen C0013903, MONDO:0009162, OMIM 225500.
Curry-Hall syndrome (WAD). Also called: WEYERS ACRODENTAL DYSOSTOSIS. Identifiers: Orphanet 952, MedGen C0457013, MONDO:0008673, OMIM 193530.

Submission:

Labcorp Genetics (formerly Invitae), Labcorp
Classification: Pathogenic for Curry-Hall syndrome; Ellis-van Creveld syndrome. Last evaluated: 2022-06-20. Review status: criteria provided, single submitter. Criteria: Invitae Variant Classification Sherloc (09022015). Collection method: clinical testing. Allele origin: germline.
Comment: For these reasons, this variant has been classified as Pathogenic. This variant has not been reported in the literature in individuals affected with EVC2-related conditions. This variant is not present in population databases (gnomAD no frequency). This sequence change creates a premature translational stop signal (p.Leu721Trpfs*19) in the EVC2 gene. It is expected to result in an absent or disrupted protein product. Loss-of-function variants in EVC2 are known to be pathogenic (PMID: 17024374, 19810119, 19876929).

Literature cited by the submitters: PubMed 17024374; PubMed 19810119; PubMed 19876929.

NM_147127.5(EVC2):c.2161del (p.Leu721fs)

Gene: EVC2 (EvC ciliary complex subunit 2; minus strand). Cytogenetic location: 4p16.2.
Variant type: Deletion.
Coding change: c.2161del on transcript NM_147127.5 (MANE Select); coding-DNA position 2161, one base deleted (C; older notation c.2161delC).
Protein change: p.Leu721fs; shifts the reading frame from leucine 721.
Molecular consequence: frameshift variant.
Genome position (GRCh38, 1-based): chr4:5,622,877, G deleted on the plus strand (C on the coding strand, the reverse complement: EVC2 is on the minus strand); the first of 3 consecutive G bases (chr4:5,622,877-5,622,879); deleting any one gives the same sequence. VCF-style (leftmost placement, unchanged base first): chr4-5622876-AG-A. GRCh37 (hg19) VCF-style: chr4-5624603-AG-A.
Other names: c.1921del, p.Leu641fs (NM_001166136.2); short protein forms L641fs, L721fs.
Identifiers: ClinVar variation 1958337 (VCV001958337.4), dbSNP rs2475376119, ClinGen allele CA2580070759.